The following is an entry in ClinVar:

NM_000552.5(VWF):c.7625T>A (p.Ile2542Lys)

Gene: VWF (von Willebrand factor; minus strand). Cytogenetic location: 12p13.31.
Variant type: single nucleotide variant.
Coding change: c.7625T>A on transcript NM_000552.5 (MANE Select); coding-DNA position 7625, T replaced by A.
Protein change: p.Ile2542Lys; replaces isoleucine 2542 with lysine.
Molecular consequence: missense variant.
Genome position (GRCh38, 1-based): chr12:5,969,315, A>T on the plus strand (T>A on the coding strand, the complement: VWF is on the minus strand). VCF-style: chr12-5969315-A-T. GRCh37 (hg19) VCF-style: chr12-6078481-A-T.
Other names: c.7625T>A (NM_000552.3); short protein forms I2542K.
Identifiers: ClinVar variation 801317 (VCV000801317.4), dbSNP rs201213029, ClinGen allele CA232282025.
Genomic context (GRCh38, chr12:5,969,315, plus strand): 5'-TGAAAGCCCGAGGGGCAGACAGGGACCTCCAGCTGGGGGCAGGAGACGTTCCTTTGTTGT[A>T]TAAAGACCTCCTCCTTCACTCGGACACACTCATTGATGAGGCAGGGGTTCTCCGGGGAGG-3'
Protein context (NP_000543.3, residues 2532-2552): ECVRVKEEVF[Ile2542Lys]QQRNVSCPQL

ClinVar aggregate classification (germline): Uncertain significance. Review status: criteria provided, multiple submitters, no conflicts (2 of 4 stars). 3 submissions from 3 submitters: Uncertain significance (3). Last evaluated 2025-02-13.

Conditions:
VWF-related disorder. Also called: VWF-related condition; VWF-related disorders.

Allele frequency attached by ClinVar (database versions not stated): gnomAD 0.00001; TOPMed 0.00001.
gnomAD v4.1: 10 of 1,614,068 alleles (0.00062%); highest among the groups gnomAD compares: African/African-American, 0.0067%; no homozygotes.

Submissions (3):

PreventionGenetics, part of Exact Sciences
Classification: Uncertain significance for VWF-related condition. Last evaluated: 2025-02-13. Review status: criteria provided, single submitter. Criteria: ACMG Guidelines, 2015. Collection method: clinical testing. Allele origin: germline.
Comment: The VWF c.7625T>A variant is predicted to result in the amino acid substitution p.Ile2542Lys. To our knowledge, this variant has not been reported in the literature or in a large population database (gnomAD), indicating this variant is rare. At this time, the clinical significance of this variant is uncertain due to the absence of conclusive functional and genetic evidence.

GeneDx
Classification: Uncertain significance. Last evaluated: 2024-12-28. Review status: criteria provided, single submitter. Criteria: GeneDx Variant Classification Process June 2021. Collection method: clinical testing. Allele origin: germline. Affected: yes.
Comment: Not observed at significant frequency in large population cohorts (gnomAD); In silico analysis supports that this missense variant has a deleterious effect on protein structure/function; Has not been previously published as pathogenic or benign to our knowledge

Quest Diagnostics Nichols Institute San Juan Capistrano
Classification: Uncertain significance. Last evaluated: 2018-10-12. Review status: criteria provided, single submitter. Criteria: Quest Diagnostics criteria. Collection method: clinical testing. Allele origin: germline.